The following is an entry in ClinVar:

NM_001365999.1(SZT2):c.8357_8358delinsGA (p.Pro2786Arg)

Gene: SZT2 (SZT2 subunit of KICSTOR complex; plus strand). Cytogenetic location: 1p34.2.
Variant type: Indel.
Coding change: c.8357_8358delinsGA on transcript NM_001365999.1 (MANE Select); coding-DNA positions 8357 to 8358, CT replaced by GA.
Protein change: p.Pro2786Arg; replaces proline 2786 with arginine.
Molecular consequence: missense variant.
Genome position (GRCh38, 1-based): chr1:43,443,024-43,443,025, CT replaced by GA. VCF-style: chr1-43443024-CT-GA. GRCh37 (hg19) VCF-style: chr1-43908695-CT-GA.
Other names: c.8186_8187delinsGA, p.Pro2729Arg (NM_015284.4); short protein forms P2729R, P2786R.
Identifiers: ClinVar variation 1711971 (VCV001711971.2), dbSNP rs2545855272, ClinGen allele CA2580062880.

ClinVar aggregate classification (germline): Uncertain significance (1 of 4 stars; one submission).

Submission:

GeneDx
Classification: Uncertain significance. Last evaluated: 2022-04-18. Review status: criteria provided, single submitter. Criteria: GeneDx Variant Classification Process June 2021. Collection method: clinical testing. Allele origin: germline. Affected: yes.
Comment: Not observed at significant frequency in large population cohorts (gnomAD); In silico analysis supports that this variant does not alter protein structure/function; Has not been previously published as pathogenic or benign to our knowledge